The following is an entry in ClinVar:

ClinVar aggregate classification (germline): Uncertain significance (1 of 4 stars; one submission).

Conditions:
Inborn genetic diseases. Identifiers: MedGen C0950123, MeSH D030342.

gnomAD v4.1: 3 of 1,600,936 alleles (0.00019%); highest among the groups gnomAD compares: Admixed American, 0.0034%; no homozygotes.

Submission:

Ambry Genetics
Classification: Uncertain significance for Inborn genetic diseases. Last evaluated: 2025-10-21. Review status: criteria provided, single submitter. Criteria: Ambry Variant Classification Scheme 2023. Collection method: clinical testing. Allele origin: germline.
Comment: The p.P826L variant (also known as c.2477C>T), located in coding exon 26 of the RTEL1 gene, results from a C to T substitution at nucleotide position 2477. The proline at codon 826 is replaced by leucine, an amino acid with similar properties. This amino acid position is conserved. In addition, this alteration is predicted to be tolerated by in silico analysis. Based on the available evidence, the clinical significance of this variant remains unclear.

NM_001283009.2(RTEL1):c.2477C>T (p.Pro826Leu)

Genes: RTEL1 (regulator of telomere elongation helicase 1; plus strand), RTEL1-TNFRSF6B (RTEL1-TNFRSF6B readthrough (NMD candidate); plus strand). Cytogenetic location: 20q13.33.
Variant type: single nucleotide variant.
Coding change: c.2477C>T on transcript NM_001283009.2 (MANE Select); coding-DNA position 2477, C replaced by T.
Protein change: p.Pro826Leu; replaces proline 826 with leucine.
Molecular consequence: missense variant. On other transcripts: non-coding transcript variant (1).
Genome position (GRCh38, 1-based): chr20:63,690,868, C>T. VCF-style: chr20-63690868-C-T. GRCh37 (hg19) VCF-style: chr20-62322221-C-T.
Other names: c.1808C>T, p.Pro603Leu (NM_001283010.1); c.2477C>T, p.Pro826Leu (NM_016434.4); c.2549C>T, p.Pro850Leu (NM_032957.5); short protein forms P603L, P826L, P850L.
Identifiers: ClinVar variation 4629554 (VCV004629554.1).
Genomic context (GRCh38, chr20:63,690,868, plus strand): 5'-CACCAGCTGCCGGGGACCCCGAGAGTAGCCTGTGTGTGGAGTATGAGCAGGAGCCAGTTC[C>T]TGCCCGGCAGAGGCCCAGGGGGCTGCTGGCCGCCCTGGAGCACAGCGAACAGCGGGCGGG-3'
Protein context (NP_001269938.1, residues 816-836): LCVEYEQEPV[Pro826Leu]ARQRPRGLLA